The following is an entry in ClinVar:

ClinVar aggregate classification (germline): Conflicting classifications of pathogenicity. Review status: criteria provided, conflicting classifications (1 of 4 stars). 13 submissions from 12 submitters: Uncertain significance (5); Benign (1); Likely benign (4). 3 of the submissions do not count toward it. Last evaluated 2026-01-11.

Conditions:
RET-related disorder. Also called: RET-related condition; RET-related disease; RET-related disorders.
Hereditary cancer-predisposing syndrome. Also called: Neoplastic Syndromes, Hereditary; Hereditary Cancer Syndrome; Tumor predisposition; Hereditary neoplastic syndrome. Identifiers: Orphanet 140162, MedGen C0027672, MeSH D009386, MONDO:0015356.
Aganglionic megacolon (HSCR). Also called: Hirschsprung's disease; Hirschsprung disease. Identifiers: Orphanet 388, MedGen C0019569, MeSH D006627, MONDO:0018309, HP:0002251.
Multiple endocrine neoplasia type 2B. Also called: WAGENMANN-FROBOESE SYNDROME; MULTIPLE ENDOCRINE NEOPLASIA, TYPE III; Multiple endocrine neoplasia, type 3; MULTIPLE ENDOCRINE NEOPLASIA, TYPE IIB; MEN 2B; MEN IIB. Identifiers: Orphanet 247709, Orphanet 653, MedGen C0025269, MeSH D018814, MONDO:0008082, OMIM 162300.
Multiple endocrine neoplasia, type 2 (MEN2). Identifiers: Orphanet 653, MedGen C4048306, MONDO:0019003. Disease mechanism: gain of function.
Multiple endocrine neoplasia type 2A. Also called: MULTIPLE ENDOCRINE NEOPLASIA, TYPE IIA; PTC SYNDROME; SIPPLE SYNDROME; MEN 2A; MEN-2A syndrome; Pheochromocytoma and amyloid producing medullary thyroid carcinoma. Identifiers: Orphanet 247698, Orphanet 653, MedGen C0025268, MeSH D018813, MONDO:0008234, OMIM 171400.
Familial medullary thyroid carcinoma (MTC). Also called: Thyroid cancer, familial medullary; MTC, familial; Familial Medullary Thyroid Carcinoma (FMTC). Identifiers: Orphanet 653, Orphanet 99361, MedGen C1833921, MONDO:0007958, OMIM 155240.

Allele frequency attached by ClinVar (database versions not stated): gnomAD 0.00003; ExAC 0.00013; ESP Exome Variant Server 0.00008; TOPMed 0.00009; gnomAD exomes 0.00014 and 0.00004.
gnomAD v4.1: 63 of 1,614,032 alleles (0.0039%); highest among the groups gnomAD compares: Admixed American, 0.047%; no homozygotes.

Submissions (13):

Labcorp Genetics (formerly Invitae), Labcorp
Classification: Likely benign for Multiple endocrine neoplasia, type 2. Last evaluated: 2026-01-11. Review status: criteria provided, single submitter. Criteria: Invitae Variant Classification Sherloc (09022015). Collection method: clinical testing. Allele origin: germline.

Women's Health and Genetics/Laboratory Corporation of America, LabCorp
Classification: Likely benign. Last evaluated: 2024-12-24. Review status: criteria provided, single submitter. Criteria: LabCorp Variant Classification Summary - May 2015. Collection method: clinical testing. Allele origin: germline.
Comment: Variant summary: RET c.539G>A (p.Arg180Gln) results in a conservative amino acid change located in the Cadherins domain profile (IPR002126) of the encoded protein sequence. Four of five in-silico tools predict a benign effect of the variant on protein function. The variant allele was found at a frequency of 0.00014 in 251346 control chromosomes, predominantly at a frequency of 0.00072 within the Latino subpopulation in the gnomAD database. The observed variant frequency within Latino control individuals in the gnomAD database is approximately 2.92 fold of the estimated maximal expected allele frequency for a pathogenic variant in RET causing Hirschsprung Disease phenotype (0.00025). c.539G>A has been reported in the literature in at least one individual affected with Hirschsprung Disease (Hofstra_2000). These report(s) do not provide unequivocal conclusions about association of the variant with Hirschsprung Disease. To our knowledge, no experimental evidence demonstrating an impact on protein function has been reported. The following publication have been ascertained in the context of this evaluation (PMID: 10790203). ClinVar contains an entry for this variant (Variation ID: 161360). Based on the evidence outlined above, the variant was classified as likely benign.

All of Us Research Program, National Institutes of Health
Classification: Uncertain significance for Multiple endocrine neoplasia, type 2. Last evaluated: 2024-02-05. Review status: criteria provided, single submitter. Criteria: ACMG Guidelines, 2015. Collection method: clinical testing. Allele origin: germline. Inheritance: Autosomal dominant inheritance. Observed: 11 variant alleles, 11 heterozygotes.
Comment: This missense variant replaces arginine with glutamine at codon 180 of the RET protein. Computational prediction suggests that this variant may not impact protein structure and function (internally defined REVEL score threshold <= 0.5, PMID: 27666373). To our knowledge, functional studies have not been reported for this variant. This variant has not been reported in individuals affected with MEN2 or medullary thyroid carcinoma. This variant has been reported in an individual affected with Hirschsprung disease (PMID: 10790203). This variant has been identified in 37/282728 chromosomes in the general population by the Genome Aggregation Database (gnomAD). The available evidence is insufficient to determine the role of this variant in disease conclusively. Therefore, this variant is classified as a Variant of Uncertain Significance.

This study involves interpretation of variants in research participants for the purpose of population health screening. Participant phenotype was not available at the time of variant classification. Additional details can be found in publication PMID: 35346344, PMCID: PMC8962531

Color Diagnostics, LLC DBA Color Health
Classification: Uncertain significance for Multiple endocrine neoplasia, type 2. Last evaluated: 2023-12-14. Review status: criteria provided, single submitter. Criteria: ACMG Guidelines, 2015. Collection method: clinical testing. Allele origin: germline.
Comment: This missense variant replaces arginine with glutamine at codon 180 of the RET protein. Computational prediction suggests that this variant may not impact protein structure and function. To our knowledge, functional studies have not been reported for this variant. This variant has not been reported in individuals affected with MEN2 or medullary thyroid carcinoma. This variant has been reported in an individual affected with Hirschsprung disease (PMID: 10790203). This variant has been identified in 37/282728 chromosomes in the general population by the Genome Aggregation Database (gnomAD). The available evidence is insufficient to determine the role of this variant in disease conclusively. Therefore, this variant is classified as a Variant of Uncertain Significance.

ARUP Laboratories, Molecular Genetics and Genomics, ARUP Laboratories
Classification: Uncertain significance. Last evaluated: 2023-09-11. Review status: criteria provided, single submitter. Criteria: ARUP Molecular Germline Variant Investigation Process 2024. Collection method: clinical testing. Allele origin: germline.
Comment: The RET c.539G>A; p.Arg180Gln variant (rs370736139) is reported in the literature in an individual affected with Hirschsprung disease (Hofstra 2000). This variant is also reported in ClinVar (Variation ID: 161360). This variant is found in the Latino population with an allele frequency of 0.08% (27/35,432 alleles) in the Genome Aggregation Database. Computational analyses are uncertain whether this variant is neutral or deleterious (REVEL: 0.223). Due to limited information, the clinical significance of this variant is uncertain at this time. References: Hofstra RM et al. RET and GDNF gene scanning in Hirschsprung patients using two dual denaturing gel systems. Hum Mutat. 2000;15(5):418-29. PMID: 10790203.

Mayo Clinic Laboratories, Mayo Clinic
Classification: Likely benign. Last evaluated: 2021-09-28. Review status: criteria provided, single submitter. Criteria: ACMG Guidelines, 2015. Collection method: clinical testing. Allele origin: germline. Observed: 2 variant alleles.
Comment: BS1, BP4

Ambry Genetics
Classification: Likely benign for Hereditary cancer-predisposing syndrome. Last evaluated: 2020-10-22. Review status: criteria provided, single submitter. Criteria: Ambry Variant Classification Scheme 2023. Collection method: clinical testing. Allele origin: germline.

Baylor Genetics
Classification: Uncertain significance for Familial medullary thyroid carcinoma. Last evaluated: 2020-04-10. Review status: criteria provided, single submitter. Criteria: ACMG Guidelines, 2015. Collection method: clinical testing. Allele origin: maternal. Affected: yes. Study: CSER-TexasKidsCanSeq.
Comment: This variant was determined to be of uncertain significance according to ACMG Guidelines, 2015 [PMID:25741868].

Mendelics
Classification: Benign for Multiple endocrine neoplasia type 2A. Last evaluated: 2019-05-28. Review status: criteria provided, single submitter. Criteria: Mendelics Assertion Criteria 2017. Collection method: clinical testing. Allele origin: unknown.

CSER _CC_NCGL, University of Washington
Classification: Uncertain significance for Hirschsprung disease. Last evaluated: 2014-06-01. Review status: criteria provided, single submitter. Criteria: Amendola et al. (Genome Res. 2015). Collection method: research. Allele origin: germline. Inheritance: Autosomal dominant inheritance. Study: ESP 6500 variant annotation.
Comment: Low GERP score may suggest that this variant may belong in a lower pathogenicity class

Variants classified for the Actionable exomic incidental findings in 6503 participants: challenges of variant classification manuscript

PreventionGenetics, part of Exact Sciences
Classification: Likely benign for RET-related condition. Last evaluated: 2024-09-27. Review status: no assertion criteria provided. Collection method: clinical testing. Allele origin: germline. Not counted in ClinVar's aggregate classification.
Comment: This variant is classified as likely benign based on ACMG/AMP sequence variant interpretation guidelines (Richards et al. 2015 PMID: 25741868, with internal and published modifications).

Counsyl
Classification: Uncertain significance for Multiple endocrine neoplasia type 2B. Last evaluated: 2015-12-18. Review status: no assertion criteria provided. Collection method: clinical testing. Allele origin: unknown. Not counted in ClinVar's aggregate classification.

Counsyl
Classification: Uncertain significance for Multiple endocrine neoplasia type 2A. Last evaluated: 2015-12-18. Review status: no assertion criteria provided. Collection method: clinical testing. Allele origin: unknown. Not counted in ClinVar's aggregate classification.

Literature cited by the submitters: PubMed 10790203 (cited by 5 submitters); PubMed 22174939 (cited by Ambry Genetics); PubMed 25637381 (cited by Ambry Genetics and Counsyl).

NM_020975.6(RET):c.539G>A (p.Arg180Gln)

Gene: RET (ret proto-oncogene; plus strand). Cytogenetic location: 10q11.21.
Variant type: single nucleotide variant.
Coding change: c.539G>A on transcript NM_020975.6 (MANE Select); coding-DNA position 539, G replaced by A.
Protein change: p.Arg180Gln; replaces arginine 180 with glutamine.
Molecular consequence: missense variant.
Genome position (GRCh38, 1-based): chr10:43,102,543, G>A. VCF-style: chr10-43102543-G-A. GRCh37 (hg19) VCF-style: chr10-43597991-G-A.
Other names: p.Arg180Gln; c.539G>A, p.Arg180Gln (NM_020630.7, NM_000323.2, NM_001406743.1 and 16 more transcripts); c.410G>A, p.Arg137Gln (NM_001406761.1, NM_001406762.1, NM_001406764.1 and 4 more transcripts); short protein forms R180Q, R137Q.
Identifiers: ClinVar variation 161360 (VCV000161360.28), dbSNP rs370736139, ClinGen allele CA009280.